The following is an entry in ClinVar:

NM_004114.5(FGF13):c.31C>T (p.Arg11Cys)

Gene: FGF13 (fibroblast growth factor 13; minus strand). Cytogenetic location: Xq26.3.
Variant type: single nucleotide variant.
Coding change: c.31C>T on transcript NM_004114.5 (MANE Select); coding-DNA position 31, C replaced by T.
Protein change: p.Arg11Cys; replaces arginine 11 with cysteine.
Molecular consequence: missense variant. On other transcripts: intron variant (5).
Genome position (GRCh38, 1-based): chrX:138,710,973, G>A on the plus strand (C>T on the coding strand, the complement: FGF13 is on the minus strand). VCF-style: chrX-138710973-G-A. GRCh37 (hg19) VCF-style: chrX-137793135-G-A.
Other names: c.50-2045C>T (NM_001139498.2); c.218-2045C>T (NM_001139500.2); c.131-2045C>T (NM_001139501.2, NM_001139502.2); c.29-2045C>T (NM_033642.3); c.31C>T (NM_004114.3); short protein forms R11C.
Identifiers: ClinVar variation 997407 (VCV000997407.5), dbSNP rs2090039774, ClinGen allele CA414463337.

ClinVar aggregate classification (germline): Pathogenic. Review status: criteria provided, multiple submitters, no conflicts (2 of 4 stars). 3 submissions from 3 submitters: Pathogenic (2). 1 of the submissions does not count toward it. Last evaluated 2026-04-28.

Conditions:
Developmental and epileptic encephalopathy, 90. Identifiers: MedGen C5542345, MONDO:0025353, OMIM 301058.

Submissions (3):

Wales Gene Park, Division Of Cancer and Genetics, Cardiff University
Classification: Pathogenic for Developmental and epileptic encephalopathy, 90. Last evaluated: 2026-04-28. Review status: criteria provided, single submitter. Criteria: ACGS Best Practice Guidelines for Variant Classification in Rare Disease 2024. Collection method: research. Allele origin: de novo. Inheritance: X-linked inheritance. Affected: yes. Study: 100,000 Genomes Project (Wales).
Comment: De novo FGF13 missense variant detected by trio genome sequencing. Not present in gnomAD (v4.1.1). REVEL score 0.697. The variant is located in the conserved N-terminal domain of the FGF13A isoform (also known as Fibroblast Growth Factor Homologous Factor 2A or FHF2A). The N-terminal functions as an intracellular inactivation particle that induces rapid-onset, long-term inhibition of voltage-gated sodium channels. This individual was published in PMID: 33245860 along with unrelated affected individuals with the p.Arg11Cys and p.Arg11Pro variants. Functional studies showed the p.Arg11Cys variant causes mutant protein to lose its ability to induce a rapid-onset, long-term blockade (a loss of inhibitory function rather than gain of function). Evidence codes: PM2, PM1, PS2_strong, PM5, PS3.

GeneDx
Classification: Pathogenic. Last evaluated: 2026-02-13. Review status: criteria provided, single submitter. Criteria: GeneDx Variant Classification Process June 2021. Collection method: clinical testing. Allele origin: germline.
Comment: Not observed at significant frequency in large population cohorts (gnomAD); In silico analysis suggests that this missense variant does not alter protein structure/function; This variant is associated with the following publications: (PMID: 37536293, 34871784, 33245860, 33504798)

OMIM
Classification: Pathogenic for DEVELOPMENTAL AND EPILEPTIC ENCEPHALOPATHY 90. Last evaluated: 2021-02-19. Review status: no assertion criteria provided. Collection method: literature only. Allele origin: germline. Not counted in ClinVar's aggregate classification.

Literature cited by the submitters: PubMed 33245860 (cited by Wales Gene Park, Division Of Cancer and Genetics, Cardiff University and OMIM).